The following is an entry in ClinVar:

NM_007294.4(BRCA1):c.4390C>T (p.Pro1464Ser)

Gene: BRCA1 (BRCA1 DNA repair associated; minus strand). Cytogenetic location: 17q21.31.
Variant type: single nucleotide variant.
Coding change: c.4390C>T on transcript NM_007294.4 (MANE Select); coding-DNA position 4390, C replaced by T.
Protein change: p.Pro1464Ser; replaces proline 1464 with serine.
Molecular consequence: missense variant. On other transcripts: non-coding transcript variant (1).
Genome position (GRCh38, 1-based): chr17:43,076,582, G>A on the plus strand (C>T on the coding strand, the complement: BRCA1 is on the minus strand). VCF-style: chr17-43076582-G-A. GRCh37 (hg19) VCF-style: chr17-41228599-G-A.
Other names: c.4381C>T, p.Pro1461Ser (NM_001407645.1, NM_001407644.1); c.1081C>T, p.Pro361Ser (NM_001407976.1, NM_001407977.1, NM_001407978.1 and 3 more transcripts); c.4378C>T, p.Pro1460Ser (NM_001407646.1); c.1078C>T, p.Pro360Ser (NM_001407979.1, NM_001407980.1, NM_001407981.1 and 13 more transcripts); c.4333C>T, p.Pro1445Ser (NM_001407648.1); c.4330C>T, p.Pro1444Ser (NM_001407649.1); c.4390C>T, p.Pro1464Ser (NM_001407652.1, NM_001407684.1, NM_001407854.1 and 8 more transcripts); c.4375C>T, p.Pro1459Ser (NM_001407647.1); and 68 more; short protein forms P1464S, P360S, P1417S, P1485S, P1168S, P1295S, P1335S, P1375S.
Identifiers: ClinVar variation 628044 (VCV000628044.10), dbSNP rs1259139517, ClinGen allele CA10592756.
Genomic context (GRCh38, chr17:43,076,582, plus strand): 5'-AACTATCTGCAGACACCTCAAACTTGTCAGCAGAAAGGCCTTCTGGATTCTGGCTTATAG[G>A]GTATTCACTACTTTTCTGTGAAGTTAATACTGCTTTAAATGGAATGAGAAAACAAATCTA-3'
Protein context (NP_009225.1, residues 1454-1474): VLTSQKSSEY[Pro1464Ser]ISQNPEGLSA

ClinVar aggregate classification (germline): Uncertain significance. Review status: criteria provided, multiple submitters, no conflicts (2 of 4 stars). 2 submissions from 2 submitters: Uncertain significance (2). Last evaluated 2021-11-17.

Conditions:
Hereditary cancer-predisposing syndrome. Also called: Neoplastic Syndromes, Hereditary; Tumor predisposition; Hereditary neoplastic syndrome; Hereditary Cancer Syndrome. Identifiers: Orphanet 140162, MedGen C0027672, MeSH D009386, MONDO:0015356.
Hereditary breast ovarian cancer syndrome. Also called: Hereditary breast and ovarian cancer syndrome; Hereditary breast and ovarian cancer; Hereditary breast and ovarian cancer syndrome (HBOC); Breast and ovarian cancer; Hereditary breast and/or ovarian cancer syndrome; BRCA1- and BRCA2-Associated Hereditary Breast and Ovarian Cancer. Identifiers: Orphanet 145, MedGen C0677776, MeSH D061325, MONDO:0003582. Disease mechanism: loss of function.

Submissions (2):

Labcorp Genetics (formerly Invitae), Labcorp
Classification: Uncertain significance for Hereditary breast ovarian cancer syndrome. Last evaluated: 2021-11-17. Review status: criteria provided, single submitter. Criteria: Invitae Variant Classification Sherloc (09022015). Collection method: clinical testing. Allele origin: germline.
Comment: This variant is not present in population databases (gnomAD no frequency). In summary, the available evidence is currently insufficient to determine the role of this variant in disease. Therefore, it has been classified as a Variant of Uncertain Significance. Advanced modeling of protein sequence and biophysical properties (such as structural, functional, and spatial information, amino acid conservation, physicochemical variation, residue mobility, and thermodynamic stability) performed at Invitae indicates that this missense variant is not expected to disrupt BRCA1 protein function. ClinVar contains an entry for this variant (Variation ID: 628044). This variant has not been reported in the literature in individuals affected with BRCA1-related conditions. This sequence change replaces proline, which is neutral and non-polar, with serine, which is neutral and polar, at codon 1464 of the BRCA1 protein (p.Pro1464Ser).

Color Diagnostics, LLC DBA Color Health
Classification: Uncertain significance for Hereditary cancer-predisposing syndrome. Last evaluated: 2019-04-09. Review status: criteria provided, single submitter. Criteria: ACMG Guidelines, 2015. Collection method: clinical testing. Allele origin: germline.